The following is an entry in ClinVar:

NM_001608.4(ACADL):c.845A>G (p.Tyr282Cys)

Gene: ACADL (acyl-CoA dehydrogenase long chain; minus strand). Cytogenetic location: 2q34.
Variant type: single nucleotide variant.
Coding change: c.845A>G on transcript NM_001608.4 (MANE Select); coding-DNA position 845, A replaced by G.
Protein change: p.Tyr282Cys; replaces tyrosine 282 with cysteine.
Molecular consequence: missense variant.
Genome position (GRCh38, 1-based): chr2:210,204,606, T>C on the plus strand (A>G on the coding strand, the complement: ACADL is on the minus strand). VCF-style: chr2-210204606-T-C. GRCh37 (hg19) VCF-style: chr2-211069330-T-C.
Other names: short protein forms Y282C.
Identifiers: ClinVar variation 3356762 (VCV003356762.1).
Genomic context (GRCh38, chr2:210,204,606, plus strand): 5'-TCAGTCAAAAGATGGAATCTTTAAACACTTCTGACCTGTGGAAGCTCTTTCATGATGTAA[T>C]AGAAGCCTTTATTCTCTTCTCCAAGTAGGGCACTAGCTGGCAACCGTATATCTTCAAAGA-3'
Protein context (NP_001599.1, residues 272-292): ALLGEENKGF[Tyr282Cys]YIMKELPQER

ClinVar aggregate classification (germline): Uncertain significance (0 of 4 stars; one submission).

Conditions:
ACADL-related disorder. Also called: ACADL-related condition.

gnomAD v4.1: 29 of 1,610,746 alleles (0.0018%); highest among the groups gnomAD compares: South Asian, 0.031%; 1 homozygote.

Submission:

PreventionGenetics, part of Exact Sciences
Classification: Uncertain significance for ACADL-related condition. Last evaluated: 2024-03-20. Review status: no assertion criteria provided. Collection method: clinical testing. Allele origin: germline.
Comment: The ACADL c.845A>G variant is predicted to result in the amino acid substitution p.Tyr282Cys. To our knowledge, this variant has not been reported in the literature. This variant is reported in 0.033% of alleles in individuals of South Asian descent in gnomAD. At this time, the clinical significance of this variant is uncertain due to the absence of conclusive functional and genetic evidence.